The following is an entry in ClinVar:

ClinVar aggregate classification (germline): Uncertain significance (1 of 4 stars; one submission).

Allele frequency attached by ClinVar (database versions not stated): gnomAD exomes below 0.00001 and 0.00001; TOPMed 0.00001.
gnomAD v4.1: 6 of 1,614,104 alleles (0.00037%); highest among the groups gnomAD compares: East Asian, 0.0022%; no homozygotes.

Submission:

Labcorp Genetics (formerly Invitae), Labcorp
Classification: Uncertain significance. Last evaluated: 2024-10-17. Review status: criteria provided, single submitter. Criteria: Invitae Variant Classification Sherloc (09022015). Collection method: clinical testing. Allele origin: germline.
Comment: This sequence change replaces arginine, which is basic and polar, with glutamine, which is neutral and polar, at codon 173 of the SLC1A2 protein (p.Arg173Gln). This variant is present in population databases (no rsID available, gnomAD 0.009%). This variant has not been reported in the literature in individuals affected with SLC1A2-related conditions. ClinVar contains an entry for this variant (Variation ID: 1393542). Invitae Evidence Modeling of protein sequence and biophysical properties (such as structural, functional, and spatial information, amino acid conservation, physicochemical variation, residue mobility, and thermodynamic stability) indicates that this missense variant is expected to disrupt SLC1A2 protein function with a positive predictive value of 80%. In summary, the available evidence is currently insufficient to determine the role of this variant in disease. Therefore, it has been classified as a Variant of Uncertain Significance.

NM_004171.4(SLC1A2):c.518G>A (p.Arg173Gln)

Gene: SLC1A2 (solute carrier family 1 member 2; minus strand). Cytogenetic location: 11p13.
Variant type: single nucleotide variant.
Coding change: c.518G>A on transcript NM_004171.4 (MANE Select); coding-DNA position 518, G replaced by A.
Protein change: p.Arg173Gln; replaces arginine 173 with glutamine.
Molecular consequence: missense variant.
Genome position (GRCh38, 1-based): chr11:35,312,241, C>T on the plus strand (G>A on the coding strand, the complement: SLC1A2 is on the minus strand). VCF-style: chr11-35312241-C-T. GRCh37 (hg19) VCF-style: chr11-35333788-C-T.
Other names: c.491G>A, p.Arg164Gln (NM_001195728.3, NM_001252652.2); short protein forms R164Q, R173Q.
Identifiers: ClinVar variation 1393542 (VCV001393542.6), dbSNP rs866322265, ClinGen allele CA220521528.
Genomic context (GRCh38, chr11:35,312,241, plus strand): 5'-TCTGAACTCTGGGTTACCTGTTGAAAGCAGGCTTGGACAAGGTTTTCAGGGAAGAGATTT[C>T]GAATAAGGTCCAGGAAGGCATCCAGGCTGGACACTTCATCATTCTTCTTCCCAGGCCCCA-3'
Protein context (NP_004162.2, residues 163-183): SSLDAFLDLI[Arg173Gln]NLFPENLVQA